The following is an entry in ClinVar:

NM_002067.5(GNA11):c.6T>C (p.Thr2=)

Gene: GNA11 (G protein subunit alpha 11; plus strand). Cytogenetic location: 19p13.3.
Variant type: single nucleotide variant.
Coding change: c.6T>C on transcript NM_002067.5 (MANE Select); coding-DNA position 6, T replaced by C.
Protein change: p.Thr2=; no amino-acid change (threonine 2 retained).
Molecular consequence: synonymous variant.
Genome position (GRCh38, 1-based): chr19:3,094,657, T>C. VCF-style: chr19-3094657-T-C. GRCh37 (hg19) VCF-style: chr19-3094655-T-C.
Other names: c.6T>C (NM_002067.4).
Identifiers: ClinVar variation 2886578 (VCV002886578.5), dbSNP rs758302558, ClinGen allele CA9074689.
Genomic context (GRCh38, chr19:3,094,657, plus strand): 5'-CCGGGGGCCGGGGGGCGGCGGCGGGCAGGCGGCCGCGTCGGCCGGGGCCGGGACGATGAC[T>C]CTGGAGTCCATGATGGCGTGTTGCCTGAGCGATGAGGTGAAGGAGTCCAAGCGGATCAAC-3'
Protein context (NP_002058.2, residues 1-12): M[Thr2=]LESMMACCLS

ClinVar aggregate classification (germline): Likely benign. Review status: criteria provided, single submitter (1 of 4 stars). 2 submissions from 2 submitters: Likely benign (1). 1 of the submissions does not count toward it. Last evaluated 2022-11-10.

Conditions:
GNA11-related disorder. Also called: GNA11-related condition.

Allele frequency attached by ClinVar (database versions not stated): gnomAD exomes below 0.00001; TOPMed below 0.00001; ExAC 0.00002.
gnomAD v4.1: 6 of 1,517,196 alleles (0.0004%); highest among the groups gnomAD compares: Admixed American, 0.002%; no homozygotes.

Submissions (2):

Labcorp Genetics (formerly Invitae), Labcorp
Classification: Likely benign. Last evaluated: 2022-11-10. Review status: criteria provided, single submitter. Criteria: Invitae Variant Classification Sherloc (09022015). Collection method: clinical testing. Allele origin: germline.

PreventionGenetics, part of Exact Sciences
Classification: Likely benign for GNA11-related condition. Last evaluated: 2021-05-25. Review status: no assertion criteria provided. Collection method: clinical testing. Allele origin: germline. Not counted in ClinVar's aggregate classification.
Comment: This variant is classified as likely benign based on ACMG/AMP sequence variant interpretation guidelines (Richards et al. 2015 PMID: 25741868, with internal and published modifications).